The following is an entry in ClinVar:

ClinVar aggregate classification (germline): Benign/Likely benign. Review status: criteria provided, multiple submitters, no conflicts (2 of 4 stars). 2 submissions from 2 submitters: Benign (1); Likely benign (1). Last evaluated 2026-10-01.

Submissions (2):

CeGaT Center for Human Genetics Tuebingen
Classification: Benign. Last evaluated: 2026-10-01. Review status: criteria provided, single submitter. Criteria: CeGaT Center For Human Genetics Tuebingen Variant Classification Criteria Version 2. Collection method: clinical testing. Allele origin: germline. Affected: yes. Observed: 2 variant alleles.
Comment: SPG11: BS1, BS2

GeneDx
Classification: Likely benign. Last evaluated: 2019-08-13. Review status: criteria provided, single submitter. Criteria: GeneDx Variant Classification Process June 2021. Collection method: clinical testing. Allele origin: germline. Affected: yes.

NM_025137.4(SPG11):c.6585+220_6585+221dup

Gene: SPG11 (SPG11 vesicle trafficking associated, spatacsin; minus strand). Cytogenetic location: 15q21.1.
Variant type: Duplication.
Coding change: c.6585+220_6585+221dup on transcript NM_025137.4 (MANE Select); bases 220 to 221 of the intron after coding-DNA position 6585, 2 bases duplicated (TT; older notation c.6585+220_6585+221dupTT).
Molecular consequence: intron variant.
Genome position (GRCh38, 1-based): chr15:44,569,165-44,569,166, AA duplicated on the plus strand (TT on the coding strand, the reverse complement: SPG11 is on the minus strand); duplicating any 2 consecutive bases within chr15:44,569,165-44,569,178 gives the same sequence; the c. name uses the placement nearest the transcript's 3' end. VCF-style (leftmost placement, unchanged base first): chr15-44569164-C-CAA. GRCh37 (hg19) VCF-style: chr15-44861362-C-CAA.
Other names: c.6246+220_6246+221dup (NM_001160227.2).
Identifiers: ClinVar variation 1189288 (VCV001189288.4), dbSNP rs1188132986, ClinGen allele CA617675639.